The following is an entry in ClinVar:

ClinVar aggregate classification (germline): Uncertain significance. Review status: criteria provided, multiple submitters, no conflicts (2 of 4 stars). 2 submissions from 2 submitters: Uncertain significance (2). Last evaluated 2022-08-22.

Conditions:
Hereditary spastic paraplegia 11. Also called: Spastic Paraplegia 11; Nakamura Osame syndrome; Autosomal recessive hereditary spastic paraplegia, mental impairment, and thin corpus callosum; Spastic paraplegia, mental retardation and thin corpus callosum; SPASTIC PARAPLEGIA, AUTOSOMAL RECESSIVE, COMPLICATED, WITH THIN CORPUS CALLOSUM; SPASTIC PARAPLEGIA, AUTOSOMAL RECESSIVE, WITH MENTAL IMPAIRMENT AND THIN CORPUS CALLOSUM. Identifiers: Orphanet 2822, MedGen C1858479, MONDO:0011445, OMIM 604360.

Allele frequency attached by ClinVar (database versions not stated): gnomAD exomes below 0.00001.
gnomAD v4.1: 6 of 1,614,182 alleles (0.00037%); highest among the groups gnomAD compares: Admixed American, 0.0083%; 1 homozygote.

Submissions (2):

Blueprint Genetics
Classification: Uncertain significance. Last evaluated: 2022-08-22. Review status: criteria provided, single submitter. Criteria: ACMG Guidelines, 2015. Collection method: clinical testing. Allele origin: germline.

Labcorp Genetics (formerly Invitae), Labcorp
Classification: Uncertain significance for Hereditary spastic paraplegia 11. Last evaluated: 2022-04-18. Review status: criteria provided, single submitter. Criteria: Invitae Variant Classification Sherloc (09022015). Collection method: clinical testing. Allele origin: germline.
Comment: This sequence change replaces asparagine, which is neutral and polar, with histidine, which is basic and polar, at codon 324 of the SPG11 protein (p.Asn324His). This variant is present in population databases (no rsID available, gnomAD 0.0009%). This variant has not been reported in the literature in individuals affected with SPG11-related conditions. ClinVar contains an entry for this variant (Variation ID: 1013628). Algorithms developed to predict the effect of missense changes on protein structure and function are either unavailable or do not agree on the potential impact of this missense change (SIFT: "Deleterious"; PolyPhen-2: "Probably Damaging"; Align-GVGD: "Class C0"). In summary, the available evidence is currently insufficient to determine the role of this variant in disease. Therefore, it has been classified as a Variant of Uncertain Significance.

NM_025137.4(SPG11):c.970A>C (p.Asn324His)

Gene: SPG11 (SPG11 vesicle trafficking associated, spatacsin; minus strand). Cytogenetic location: 15q21.1.
Variant type: single nucleotide variant.
Coding change: c.970A>C on transcript NM_025137.4 (MANE Select); coding-DNA position 970, A replaced by C.
Protein change: p.Asn324His; replaces asparagine 324 with histidine.
Molecular consequence: missense variant.
Genome position (GRCh38, 1-based): chr15:44,652,166, T>G on the plus strand (A>C on the coding strand, the complement: SPG11 is on the minus strand). VCF-style: chr15-44652166-T-G. GRCh37 (hg19) VCF-style: chr15-44944364-T-G.
Other names: c.970A>C, p.Asn324His (NM_001160227.2); short protein forms N324H.
Identifiers: ClinVar variation 1013628 (VCV001013628.5), dbSNP rs997623054, ClinGen allele CA270102965.
Genomic context (GRCh38, chr15:44,652,166, plus strand): 5'-ACATGAAAAGGAAGTTTCTGTACCTATCAATTTGGAAGGAAAACTTGGCCAGTTTCATGT[T>G]GTAGGCAGAGTTAACAGGATCATCTTCATCTACGCCCTTAGGTCCTTGAATAGGAAGATC-3'
Protein context (NP_079413.3, residues 314-334): DEDDPVNSAY[Asn324His]MKLAKFSFQI